The following is an entry in ClinVar:

NM_016327.3(UPB1):c.946T>G (p.Ser316Ala)

Gene: UPB1 (beta-ureidopropionase 1; plus strand). Cytogenetic location: 22q11.23.
Variant type: single nucleotide variant.
Coding change: c.946T>G on transcript NM_016327.3 (MANE Select); coding-DNA position 946, T replaced by G.
Protein change: p.Ser316Ala; replaces serine 316 with alanine.
Molecular consequence: missense variant.
Genome position (GRCh38, 1-based): chr22:24,523,648, T>G. VCF-style: chr22-24523648-T-G. GRCh37 (hg19) VCF-style: chr22-24919616-T-G.
Other names: short protein forms S316A.
Identifiers: ClinVar variation 2121100 (VCV002121100.4), dbSNP rs1431387924, ClinGen allele CA410970707.

ClinVar aggregate classification (germline): Uncertain significance (1 of 4 stars; one submission).

Allele frequency attached by ClinVar (database versions not stated): gnomAD exomes below 0.00001.

Submission:

Labcorp Genetics (formerly Invitae), Labcorp
Classification: Uncertain significance. Last evaluated: 2022-08-19. Review status: criteria provided, single submitter. Criteria: Invitae Variant Classification Sherloc (09022015). Collection method: clinical testing. Allele origin: germline.
Comment: This sequence change replaces serine, which is neutral and polar, with alanine, which is neutral and non-polar, at codon 316 of the UPB1 protein (p.Ser316Ala). This variant is not present in population databases (gnomAD no frequency). This variant has not been reported in the literature in individuals affected with UPB1-related conditions. Algorithms developed to predict the effect of missense changes on protein structure and function (SIFT, PolyPhen-2, Align-GVGD) all suggest that this variant is likely to be disruptive. In summary, the available evidence is currently insufficient to determine the role of this variant in disease. Therefore, it has been classified as a Variant of Uncertain Significance.